The following is an entry in ClinVar:

NM_000322.5(PRPH2):c.*1372C>A

Gene: PRPH2 (peripherin 2; minus strand). Cytogenetic location: 6p21.1.
Variant type: single nucleotide variant.
Coding change: c.*1372C>A on transcript NM_000322.5 (MANE Select); 1372 bases downstream of the stop codon, C replaced by A.
Molecular consequence: 3 prime UTR variant.
Genome position (GRCh38, 1-based): chr6:42,696,923, G>T on the plus strand (C>A on the coding strand, the complement: PRPH2 is on the minus strand). VCF-style: chr6-42696923-G-T. GRCh37 (hg19) VCF-style: chr6-42664661-G-T.
Identifiers: ClinVar variation 908443 (VCV000908443.4), dbSNP rs56385342, ClinGen allele CA138165705.

ClinVar aggregate classification (germline): Benign/Likely benign. Review status: criteria provided, single submitter (1 of 4 stars). 6 submissions from 1 submitter: Benign (3); Likely benign (3). Last evaluated 2018-01-12.

Conditions:
Cone-rod dystrophy. Also called: Cone-rod degeneration; Cone/cone-rod dystrophy. Identifiers: Orphanet 1872, MedGen C4085590, MONDO:0015993, HP:0000548.
Retinitis pigmentosa (RP). Identifiers: Orphanet 791, MedGen C0035334, MeSH D012174, MONDO:0019200, OMIM 268000. Inheritance: Autosomal dominant, autosomal recessive and X linked inheritance.
Choroidal dystrophy, central areolar 2 (CACD2). Also called: Choriodal Dystrophy, Central Areolar 2; MACULAR DYSTROPHY, PROGRESSIVE. Identifiers: Orphanet 75377, MedGen C2751290, MONDO:0013137, OMIM 613105.
Patterned macular dystrophy 1. Also called: BUTTERFLY DYSTROPHY OF RETINAL PIGMENT EPITHELIUM; MACULAR DYSTROPHY, BUTTERFLY-SHAPED PIGMENTARY. Identifiers: Orphanet 99001, MedGen C4551999, MONDO:0008210, OMIM 169150.
Pigmentary retinal dystrophy. Also called: Fundus albipunctatus. Identifiers: Orphanet 227796, Orphanet 52427, MedGen C0311338, MONDO:0007639, OMIM 136880, HP:0030642.
Adult-onset foveomacular vitelliform dystrophy. Also called: FOVEOMACULAR DYSTROPHY, ADULT-ONSET, WITH OR WITHOUT CHOROIDAL NEOVASCULARIZATION; FOVEOMACULAR DYSTROPHY, ADULT-ONSET; Adult onset vitelliform dystrophy. Identifiers: Orphanet 99000, MedGen C1842914, MONDO:0011979.

Allele frequency attached by ClinVar (database versions not stated): gnomAD 0.00080 and 0.00106; TOPMed 0.00088; 1000 Genomes Project 30x 0.00234; 1000 Genomes Project 0.00280.

Submissions (6):

Illumina Laboratory Services, Illumina
Classification: Likely benign for Retinitis pigmentosa. Last evaluated: 2018-01-12. Review status: criteria provided, single submitter. Criteria: ICSL Variant Classification Criteria 13 December 2019. Collection method: clinical testing. Allele origin: germline.
Comment: This variant was observed in the ICSL laboratory as part of a predisposition screen in an ostensibly healthy population. It had not been previously curated by ICSL or reported in the Human Gene Mutation Database (HGMD: prior to June 1st, 2018), and was therefore a candidate for classification through an automated scoring system. Utilizing variant allele frequency, disease prevalence and penetrance estimates, and inheritance mode, an automated score was calculated to assess if this variant is too frequent to cause the disease. Based on the score and internal cut-off values, a variant classified as likely benign is not then subjected to further curation. The score for this variant resulted in a classification of likely benign for this disease.

Illumina Laboratory Services, Illumina
Classification: Likely benign for Pigmentary retinal dystrophy. Last evaluated: 2018-01-12. Review status: criteria provided, single submitter. Criteria: ICSL Variant Classification Criteria 13 December 2019. Collection method: clinical testing. Allele origin: germline.
Comment: the same text as in the submission from Illumina Laboratory Services, Illumina above.

Illumina Laboratory Services, Illumina
Classification: Benign for Cone-rod dystrophy. Last evaluated: 2018-01-12. Review status: criteria provided, single submitter. Criteria: ICSL Variant Classification Criteria 13 December 2019. Collection method: clinical testing. Allele origin: germline.
Comment: This variant was observed in the ICSL laboratory as part of a predisposition screen in an ostensibly healthy population. It had not been previously curated by ICSL or reported in the Human Gene Mutation Database (HGMD: prior to June 1st, 2018), and was therefore a candidate for classification through an automated scoring system. Utilizing variant allele frequency, disease prevalence and penetrance estimates, and inheritance mode, an automated score was calculated to assess if this variant is too frequent to cause the disease. Based on the score and internal cut-off values, a variant classified as benign is not then subjected to further curation. The score for this variant resulted in a classification of benign for this disease.

Illumina Laboratory Services, Illumina
Classification: Benign for Vitelliform macular dystrophy 3. Last evaluated: 2018-01-12. Review status: criteria provided, single submitter. Criteria: ICSL Variant Classification Criteria 13 December 2019. Collection method: clinical testing. Allele origin: germline.
Comment: the same text as in the submission from Illumina Laboratory Services, Illumina above.

Illumina Laboratory Services, Illumina
Classification: Benign for Choroidal dystrophy, central areolar 2. Last evaluated: 2018-01-12. Review status: criteria provided, single submitter. Criteria: ICSL Variant Classification Criteria 13 December 2019. Collection method: clinical testing. Allele origin: germline.
Comment: the same text as in the submission from Illumina Laboratory Services, Illumina above.

Illumina Laboratory Services, Illumina
Classification: Likely benign for Patterned macular dystrophy 1. Last evaluated: 2018-01-12. Review status: criteria provided, single submitter. Criteria: ICSL Variant Classification Criteria 13 December 2019. Collection method: clinical testing. Allele origin: germline.
Comment: the same text as in the submission from Illumina Laboratory Services, Illumina above.